The following is an entry in ClinVar:

ClinVar aggregate classification (germline): Likely pathogenic (1 of 4 stars; one submission).

Conditions:
Autosomal recessive nonsyndromic hearing loss 12. Also called: DEAFNESS, AUTOSOMAL RECESSIVE 12. Identifiers: Orphanet 90636, MedGen C1832394, MONDO:0011067, OMIM 601386.

Submission:

Institute of Rare Diseases, West China Hospital, Sichuan University
Classification: Likely pathogenic for Autosomal recessive nonsyndromic hearing loss 12. Last evaluated: 2025-01-09. Review status: criteria provided, single submitter. Criteria: ClinGen HL ACMG Specifications v1. Collection method: research. Allele origin: germline. Affected: yes.
Comment: PVS1;PM2_Supporting

NM_022124.6(CDH23):c.145+1G>C

Gene: CDH23 (cadherin related 23; plus strand). Cytogenetic location: 10q22.1.
Variant type: single nucleotide variant.
Coding change: c.145+1G>C on transcript NM_022124.6 (MANE Select); the canonical splice donor site of the intron after coding-DNA position 145, G replaced by C.
Molecular consequence: splice donor variant.
Genome position (GRCh38, 1-based): chr10:71,446,396, G>C. VCF-style: chr10-71446396-G-C. GRCh37 (hg19) VCF-style: chr10-73206153-G-C.
Other names: c.145+1G>C (NM_001171930.2, NM_001171931.2, NM_052836.4 and 1 more transcripts).
Identifiers: ClinVar variation 3601144 (VCV003601144.1).